The following is an entry in ClinVar:

NM_152564.5(VPS13B):c.9607T>C (p.Cys3203Arg)

Gene: VPS13B (vacuolar protein sorting 13 homolog B; plus strand). Cytogenetic location: 8q22.2.
Variant type: single nucleotide variant.
Coding change: c.9607T>C on transcript NM_152564.5 (MANE Select); coding-DNA position 9607, T replaced by C.
Protein change: p.Cys3203Arg; replaces cysteine 3203 with arginine.
Molecular consequence: missense variant.
Genome position (GRCh38, 1-based): chr8:99,832,645, T>C. VCF-style: chr8-99832645-T-C. GRCh37 (hg19) VCF-style: chr8-100844873-T-C.
Other names: c.9682T>C, p.Cys3228Arg (NM_017890.5); c.9682T>C (NM_017890.3); c.9607T>C (NM_152564.4); short protein forms C3203R, C3228R.
Identifiers: ClinVar variation 911639 (VCV000911639.7), dbSNP rs781004616, ClinGen allele CA4824735.
Genomic context (GRCh38, chr8:99,832,645, plus strand): 5'-CCAGAGTTTCCCAGACAGAGTGTGGCAGTACCCCTCGGGAATTTCCGGGAAAATGGATTC[T>C]GTACCAGGTATTTTATGTTTATATAAATGTCTGTTCTTCTTTGCTTGTCAGTCTAGCTGT-3'
Protein context (NP_689777.3, residues 3193-3213): PLGNFRENGF[Cys3203Arg]TRAIVLTYQE

ClinVar aggregate classification (germline): Uncertain significance. Review status: criteria provided, multiple submitters, no conflicts (2 of 4 stars). 4 submissions from 4 submitters: Uncertain significance (4). Last evaluated 2023-03-09.

Conditions:
Cohen syndrome (COH1). Also called: PEPPER SYNDROME; Cutis verticis gyrata, retinitis pigmentosa, and sensorineural deafness. Identifiers: Orphanet 193, MedGen C0265223, MONDO:0008999, OMIM 216550.

Allele frequency attached by ClinVar (database versions not stated): gnomAD below 0.00001 and 0.00001; gnomAD exomes 0.00002 and 0.00003; ExAC 0.00004.
gnomAD v4.1: 30 of 1,613,556 alleles (0.0019%); highest among the groups gnomAD compares: South Asian, 0.033%; no homozygotes.

Submissions (4):

GeneDx
Classification: Uncertain significance. Last evaluated: 2023-03-09. Review status: criteria provided, single submitter. Criteria: GeneDx Variant Classification Process June 2021. Collection method: clinical testing. Allele origin: germline. Affected: yes.
Comment: In silico analysis supports that this missense variant does not alter protein structure/function; Has not been previously published as pathogenic or benign to our knowledge

New York Genome Center
Classification: Uncertain significance for Cohen syndrome. Last evaluated: 2022-11-15. Review status: criteria provided, single submitter. Criteria: NYGC Assertion Criteria 2020. Collection method: clinical testing. Allele origin: germline. Observed: 1 heterozygote.

Labcorp Genetics (formerly Invitae), Labcorp
Classification: Uncertain significance for Cohen syndrome. Last evaluated: 2022-03-12. Review status: criteria provided, single submitter. Criteria: Invitae Variant Classification Sherloc (09022015). Collection method: clinical testing. Allele origin: germline.
Comment: This sequence change replaces cysteine, which is neutral and slightly polar, with arginine, which is basic and polar, at codon 3228 of the VPS13B protein (p.Cys3228Arg). This variant is present in population databases (rs781004616, gnomAD 0.02%). This variant has not been reported in the literature in individuals affected with VPS13B-related conditions. ClinVar contains an entry for this variant (Variation ID: 911639). Algorithms developed to predict the effect of missense changes on protein structure and function are either unavailable or do not agree on the potential impact of this missense change (SIFT: "Not Available"; PolyPhen-2: "Benign"; Align-GVGD: "Not Available"). In summary, the available evidence is currently insufficient to determine the role of this variant in disease. Therefore, it has been classified as a Variant of Uncertain Significance.

Illumina Laboratory Services, Illumina
Classification: Uncertain significance for Cohen syndrome. Last evaluated: 2018-01-13. Review status: criteria provided, single submitter. Criteria: ICSL Variant Classification Criteria 13 December 2019. Collection method: clinical testing. Allele origin: germline.